The following is an entry in ClinVar:

ClinVar aggregate classification (germline): Likely benign (1 of 4 stars; one submission).

Submission:

CeGaT Center for Human Genetics Tuebingen
Classification: Likely benign. Last evaluated: 2025-02-01. Review status: criteria provided, single submitter. Criteria: CeGaT Center For Human Genetics Tuebingen Variant Classification Criteria Version 2. Collection method: clinical testing. Allele origin: germline. Affected: yes. Observed: 2 variant alleles.
Comment: DGKQ: BP4, BP7, BS2

NM_001347.4(DGKQ):c.1635C>T (p.Asp545=)

Gene: DGKQ (diacylglycerol kinase theta; minus strand). Cytogenetic location: 4p16.3.
Variant type: single nucleotide variant.
Coding change: c.1635C>T on transcript NM_001347.4 (MANE Select); coding-DNA position 1635, C replaced by T.
Protein change: p.Asp545=; no amino-acid change (aspartic acid 545 retained).
Molecular consequence: synonymous variant.
Genome position (GRCh38, 1-based): chr4:965,275, G>A on the plus strand (C>T on the coding strand, the complement: DGKQ is on the minus strand). VCF-style: chr4-965275-G-A. GRCh37 (hg19) VCF-style: chr4-959063-G-A.
Identifiers: ClinVar variation 3770427 (VCV003770427.13).